The following is an entry in ClinVar:

ClinVar aggregate classification (germline): Uncertain significance (1 of 4 stars; one submission).

Conditions:
Idiopathic generalized epilepsy. Also called: EIG; Generalised epilepsy. Identifiers: MedGen C0270850, MONDO:0005579, OMIM 600669.
Hyperaldosteronism, familial, type IV (HALD4). Also called: FH IV; ALDOSTERONISM, PRIMARY, AND HYPERTENSION. Identifiers: Orphanet 642671, MedGen C4310756, MONDO:0014875, OMIM 617027.

Submission:

Labcorp Genetics (formerly Invitae), Labcorp
Classification: Uncertain significance for Idiopathic generalized epilepsy; Hyperaldosteronism, familial, type IV. Last evaluated: 2024-07-17. Review status: criteria provided, single submitter. Criteria: Invitae Variant Classification Sherloc (09022015). Collection method: clinical testing. Allele origin: germline.
Comment: This sequence change replaces histidine, which is basic and polar, with asparagine, which is neutral and polar, at codon 1298 of the CACNA1H protein (p.His1298Asn). This variant is not present in population databases (gnomAD no frequency). This variant has not been reported in the literature in individuals affected with CACNA1H-related conditions. Advanced modeling of protein sequence and biophysical properties (such as structural, functional, and spatial information, amino acid conservation, physicochemical variation, residue mobility, and thermodynamic stability) performed at Invitae indicates that this missense variant is not expected to disrupt CACNA1H protein function with a negative predictive value of 80%. In summary, the available evidence is currently insufficient to determine the role of this variant in disease. Therefore, it has been classified as a Variant of Uncertain Significance.

NM_021098.3(CACNA1H):c.3892C>A (p.His1298Asn)

Gene: CACNA1H (calcium voltage-gated channel subunit alpha1 H; plus strand). Cytogenetic location: 16p13.3.
Variant type: single nucleotide variant.
Coding change: c.3892C>A on transcript NM_021098.3 (MANE Select); coding-DNA position 3892, C replaced by A.
Protein change: p.His1298Asn; replaces histidine 1298 with asparagine.
Molecular consequence: missense variant.
Genome position (GRCh38, 1-based): chr16:1,210,416, C>A. VCF-style: chr16-1210416-C-A. GRCh37 (hg19) VCF-style: chr16-1260416-C-A.
Other names: c.3892C>A, p.His1298Asn (NM_001005407.2); short protein forms H1298N.
Identifiers: ClinVar variation 3756551 (VCV003756551.2).